The following is an entry in ClinVar:

ClinVar aggregate classification (germline): Uncertain significance (1 of 4 stars; one submission).

Conditions:
Neurodevelopmental disorder with hypotonia and variable intellectual and behavioral abnormalities. Identifiers: MedGen C5231423, MONDO:0032829, OMIM 618603.

Submission:

Laboratorio de Genetica e Diagnostico Molecular, Hospital Israelita Albert Einstein
Classification: Uncertain significance for Neurodevelopmental disorder with hypotonia and variable intellectual and behavioral abnormalities. Last evaluated: 2023-12-15. Review status: criteria provided, single submitter. Criteria: ACMG Guidelines, 2015. Collection method: clinical testing. Allele origin: germline. Affected: yes.
Comment: ACMG classification criteria: PM2 moderate, PP2 supporting

NM_000937.5(POLR2A):c.299T>G (p.Leu100Arg)

Gene: POLR2A (RNA polymerase II subunit A; plus strand). Cytogenetic location: 17p13.1.
Variant type: single nucleotide variant.
Coding change: c.299T>G on transcript NM_000937.5 (MANE Select); coding-DNA position 299, T replaced by G.
Protein change: p.Leu100Arg; replaces leucine 100 with arginine.
Molecular consequence: missense variant.
Genome position (GRCh38, 1-based): chr17:7,496,282, T>G. VCF-style: chr17-7496282-T-G. GRCh37 (hg19) VCF-style: chr17-7399601-T-G.
Other names: short protein forms L100R.
Identifiers: ClinVar variation 4056756 (VCV004056756.1).